The following is an entry in ClinVar:

ClinVar aggregate classification (germline): Uncertain significance (1 of 4 stars; one submission).

Submission:

Women's Health and Genetics/Laboratory Corporation of America, LabCorp
Classification: Uncertain significance. Last evaluated: 2024-06-21. Review status: criteria provided, single submitter. Criteria: LabCorp Variant Classification Summary - May 2015. Collection method: clinical testing. Allele origin: germline.
Comment: Variant summary: GLB1 c.887T>C (p.Ile296Thr) results in a non-conservative amino acid change located in the Glycoside hydrolase 35, catalytic domain (IPR031330) of the encoded protein sequence. Four of five in-silico tools predict a damaging effect of the variant on protein function. The variant was absent in 249492 control chromosomes. The available data on variant occurrences in the general population are insufficient to allow any conclusion about variant significance. c.887T>C has been reported in the literature in a setting of whole genome sequencing in at least one compound heterozygous individual affected with GM1 gangliosidosis (e.g. Kumar_2019). This report does not provide unequivocal conclusions about association of the variant with disease. To our knowledge, no experimental evidence demonstrating an impact on protein function has been reported. The following publication has been ascertained in the context of this evaluation (PMID: 31731261). No submitters have cited clinical-significance assessments for this variant to ClinVar. Based on the evidence outlined above, the variant was classified as uncertain significance.

Literature cited by the submitters: PubMed 31731261.

NM_000404.4(GLB1):c.887T>C (p.Ile296Thr)

Gene: GLB1 (galactosidase beta 1; minus strand). Cytogenetic location: 3p22.3.
Variant type: single nucleotide variant.
Coding change: c.887T>C on transcript NM_000404.4 (MANE Select); coding-DNA position 887, T replaced by C.
Protein change: p.Ile296Thr; replaces isoleucine 296 with threonine.
Molecular consequence: missense variant.
Genome position (GRCh38, 1-based): chr3:33,051,910, A>G on the plus strand (T>C on the coding strand, the complement: GLB1 is on the minus strand). VCF-style: chr3-33051910-A-G. GRCh37 (hg19) VCF-style: chr3-33093402-A-G.
Other names: c.797T>C, p.Ile266Thr (NM_001079811.3); c.494T>C, p.Ile165Thr (NM_001135602.3); c.1031T>C, p.Ile344Thr (NM_001317040.2); c.887T>C, p.Ile296Thr (NM_001393580.1); short protein forms I165T, I266T, I296T, I344T.
Identifiers: ClinVar variation 3339870 (VCV003339870.1).